The following is an entry in ClinVar:

ClinVar aggregate classification (germline): Likely pathogenic (1 of 4 stars; one submission).

Conditions:
Neurodevelopmental disorder with dysmorphic facies, impaired speech, and hypotonia. Identifiers: MedGen C5436585, MONDO:0033562, OMIM 619005.

Submission:

Variantyx, Inc.
Classification: Likely pathogenic for Neurodevelopmental disorder with dysmorphic facies, impaired speech, and hypotonia. Last evaluated: 2025-08-26. Review status: criteria provided, single submitter. Criteria: Variantyx Assertion Criteria 2022. Collection method: clinical testing. Allele origin: germline. Inheritance: Autosomal recessive inheritance. Affected: no.
Comment: This is a frameshift variant in the MADD gene (OMIM: 603584). Pathogenic variants in this gene have been associated with autosomal recessive neurodevelopmental disorder with dysmorphic facies, impaired speech and hypotonia. This variant introduces a premature termination codon in exon 23 out of 36 and is expected to result in loss of function, which is a known disease mechanism for MADD in this disorder (PMID: 32761064) (PVS1). This variant has a 0.0001% maximum allele frequency in non-founder control populations (PM2). Based on the current evidence, this variant is classified as likely pathogenic for autosomal recessive neurodevelopmental disorder with dysmorphic facies, impaired speech and hypotonia.

Literature cited by the submitters: PubMed 32761064.

NM_001376571.1(MADD):c.3523_3559del (p.Thr1174_Asp1175insTer)

Gene: MADD (MAP kinase activating death domain; plus strand). Cytogenetic location: 11p11.2.
Variant type: Deletion.
Coding change: c.3523_3559del on transcript NM_001376571.1 (MANE Select); coding-DNA positions 3523 to 3559, 37 bases deleted.
Protein change: p.Thr1174_Asp1175insTer.
Molecular consequence: nonsense. On other transcripts: non-coding transcript variant (8), intron variant (1).
Genome position (GRCh38, 1-based): chr11:47,295,502-47,295,538, 37 bases deleted. GRCh37 (hg19): chr11:47,317,053-47,317,089.
Other names: c.2743_2779del, p.Thr914_Asp915insTer (NM_001376663.1); c.3523_3559del, p.Thr1174_Asp1175insTer (NM_003682.4, NM_130475.3, NM_001376572.1 and 4 more transcripts); c.3409_3445del, p.Thr1136_Asp1137insTer (NM_130470.3, NM_130476.3, NM_001376579.1 and 7 more transcripts); c.3340_3376del, p.Thr1113_Asp1114insTer (NM_130471.3, NM_001376617.1, NM_001376586.1 and 7 more transcripts); c.3280_3316del, p.Thr1093_Asp1094insTer (NM_130472.3, NM_130474.3, NM_001135943.2 and 13 more transcripts); c.3469_3505del, p.Thr1156_Asp1157insTer (NM_130473.3, NM_001376574.1, NM_001376605.1 and 4 more transcripts); c.3273+1519_3273+1555del (NM_001376661.1); c.3463_3499del, p.Thr1154_Asp1155insTer (NM_001376575.1, NM_001376576.1, NM_001376577.1 and 2 more transcripts); and 18 more.
Identifiers: ClinVar variation 4850126 (VCV004850126.1).